The following is an entry in ClinVar:

ClinVar aggregate classification (germline): Pathogenic (1 of 4 stars; one submission).

Conditions:
Intellectual developmental disorder with speech delay, autism, and dysmorphic facies. Identifiers: MedGen C5231456, MONDO:0032864, OMIM 618672.

Submission:

Greenwood Genetic Center Diagnostic Laboratories, Greenwood Genetic Center
Classification: Pathogenic for Intellectual developmental disorder with speech delay, autism, and dysmorphic facies. Last evaluated: 2023-05-31. Review status: criteria provided, single submitter. Criteria: ACMG Guidelines, 2015. Collection method: clinical testing. Allele origin: germline. Affected: yes.
Comment: PVS1, PS2, PM2

NM_014516.4(CNOT3):c.566del (p.Met189fs)

Gene: CNOT3 (CCR4-NOT transcription complex subunit 3; plus strand). Cytogenetic location: 19q13.42.
Variant type: Deletion.
Coding change: c.566del on transcript NM_014516.4 (MANE Select); coding-DNA position 566, one base deleted (T; older notation c.566delT).
Protein change: p.Met189fs; shifts the reading frame from methionine 189.
Molecular consequence: frameshift variant.
Genome position (GRCh38, 1-based): chr19:54,145,680, T deleted. VCF-style (leftmost placement, unchanged base first): chr19-54145679-AT-A. GRCh37 (hg19) VCF-style: chr19-54649415-AT-A.
Other names: short protein forms M189fs.
Identifiers: ClinVar variation 2572243 (VCV002572243.1), dbSNP rs2517525537, ClinGen allele CA2580614972.
Genomic context (GRCh38, chr19:54,145,679, plus strand): 5'-TTGAAGCGGCACATCGAGAAGCACCGCTACCACGTGCGCATGCTAGAGACCATCCTGCGC[AT>A]GCTGGACAATGACTCCATCCTCGTTGACGCCATCCGCAAGATCAAGGACGACGTTGAGTA-3'